The following is an entry in ClinVar:

ClinVar aggregate classification (germline): Uncertain significance (0 of 4 stars; one submission).

Conditions:
KIAA0232-related disorder. Also called: KIAA0232-related condition.

Submission:

PreventionGenetics, part of Exact Sciences
Classification: Uncertain significance for KIAA0232-related condition. Last evaluated: 2024-08-06. Review status: no assertion criteria provided. Collection method: clinical testing. Allele origin: germline.
Comment: The KIAA0232 c.2997T>G variant is predicted to result in the amino acid substitution p.Asn999Lys. To our knowledge, this variant has not been reported in the literature or in a large population database, indicating this variant is rare. At this time, the clinical significance of this variant is uncertain due to the absence of conclusive functional and genetic evidence.

NM_014743.3(KIAA0232):c.2997T>G (p.Asn999Lys)

Gene: KIAA0232 (KIAA0232; plus strand). Cytogenetic location: 4p16.1.
Variant type: single nucleotide variant.
Coding change: c.2997T>G on transcript NM_014743.3 (MANE Select); coding-DNA position 2997, T replaced by G.
Protein change: p.Asn999Lys; replaces asparagine 999 with lysine.
Molecular consequence: missense variant.
Genome position (GRCh38, 1-based): chr4:6,863,379, T>G. VCF-style: chr4-6863379-T-G. GRCh37 (hg19) VCF-style: chr4-6865106-T-G.
Other names: c.2997T>G, p.Asn999Lys (NM_001100590.2); short protein forms N999K.
Identifiers: ClinVar variation 3344320 (VCV003344320.1).